The following is an entry in ClinVar:

ClinVar aggregate classification (germline): Pathogenic. Review status: reviewed by expert panel (3 of 4 stars). 4 submissions from 4 submitters: Pathogenic (1). 3 of the submissions do not count toward it. Last evaluated 2016-09-08.

Conditions:
Hereditary breast ovarian cancer syndrome. Also called: Hereditary breast and ovarian cancer syndrome (HBOC); Hereditary breast and ovarian cancer syndrome; Hereditary breast and ovarian cancer; Hereditary breast and/or ovarian cancer syndrome; Breast and ovarian cancer; BRCA1- and BRCA2-Associated Hereditary Breast and Ovarian Cancer. Identifiers: Orphanet 145, MedGen C0677776, MeSH D061325, MONDO:0003582. Disease mechanism: loss of function.
Breast-ovarian cancer, familial, susceptibility to, 2 (BROVCA2). Also called: BRCA2 Hereditary Breast and Ovarian Cancer. Identifiers: Orphanet 145, MedGen C2675520, MONDO:0012933, OMIM 612555. Disease mechanism: loss of function.
Breast-ovarian cancer, familial, susceptibility to, 1 (BROVCA1). Also called: OVARIAN CANCER, SUSCEPTIBILITY TO; BRCA1 Hereditary Breast and Ovarian Cancer. Identifiers: Orphanet 145, MedGen C2676676, MONDO:0011450, OMIM 604370. Disease mechanism: loss of function.

gnomAD v4.1: 1 of 1,613,678 alleles (0.000062%); highest among the groups gnomAD compares: Non-Finnish European, 0.000085%; no homozygotes.

Submissions (4):

Evidence-based Network for the Interpretation of Germline Mutant Alleles (ENIGMA)
Classification: Pathogenic for Breast-ovarian cancer, familial, susceptibility to, 2. Last evaluated: 2016-09-08. Review status: reviewed by expert panel. Criteria: ENIGMA BRCA1/2 Classification Criteria (2015). Collection method: curation. Allele origin: germline.
Comment: Variant allele predicted to encode a truncated non-functional protein.

Labcorp Genetics (formerly Invitae), Labcorp
Classification: Pathogenic for Hereditary breast ovarian cancer syndrome. Last evaluated: 2025-04-21. Review status: criteria provided, single submitter. Criteria: Invitae Variant Classification Sherloc (09022015). Collection method: clinical testing. Allele origin: germline. Not counted in ClinVar's aggregate classification.
Comment: This sequence change creates a premature translational stop signal (p.Lys100*) in the BRCA2 gene. It is expected to result in an absent or disrupted protein product. Loss-of-function variants in BRCA2 are known to be pathogenic (PMID: 20104584). This variant is not present in population databases (gnomAD no frequency). This premature translational stop signal has been observed in individual(s) with BRCA2-related conditions (PMID: 21520333). ClinVar contains an entry for this variant (Variation ID: 51382). For these reasons, this variant has been classified as Pathogenic.

Department of Molecular Diagnostics, Institute of Oncology Ljubljana
Classification: Pathogenic for Breast-ovarian cancer, familial, susceptibility to, 1. Last evaluated: 2020-04-02. Review status: criteria provided, single submitter. Criteria: ACMG Guidelines, 2015. Collection method: clinical testing. Allele origin: germline. Affected: yes. Not counted in ClinVar's aggregate classification.

Breast Cancer Information Core (BIC) (BRCA2)
Classification: Pathogenic for Breast-ovarian cancer, familial 2. Last evaluated: 2004-02-20. Review status: no assertion criteria provided. Collection method: clinical testing. Allele origin: germline. Affected: yes. Observed: 1 variant allele. Not counted in ClinVar's aggregate classification.

Literature cited by the submitters: PubMed 20104584 (cited by Labcorp Genetics (formerly Invitae), Labcorp); PubMed 21520333 (cited by Labcorp Genetics (formerly Invitae), Labcorp).

NM_000059.4(BRCA2):c.298A>T (p.Lys100Ter)

Gene: BRCA2 (BRCA2 DNA repair associated; plus strand). Cytogenetic location: 13q13.1.
Variant type: single nucleotide variant.
Coding change: c.298A>T on transcript NM_000059.4 (MANE Select); coding-DNA position 298, A replaced by T.
Protein change: p.Lys100Ter; replaces lysine 100 with a stop codon.
Molecular consequence: nonsense.
Genome position (GRCh38, 1-based): chr13:32,319,307, A>T. VCF-style: chr13-32319307-A-T. GRCh37 (hg19) VCF-style: chr13-32893444-A-T.
Other names: short protein forms K100*.
Identifiers: ClinVar variation 51382 (VCV000051382.14), dbSNP rs80358546, ClinGen allele CA016977.